The following is an entry in ClinVar:

NM_020533.3(MCOLN1):c.89dup (p.Ala31fs)

Gene: MCOLN1 (mucolipin TRP cation channel 1; plus strand). Cytogenetic location: 19p13.2.
Variant type: Duplication.
Coding change: c.89dup on transcript NM_020533.3 (MANE Select); coding-DNA position 89, one base duplicated (C; older notation c.89dupC).
Protein change: p.Ala31fs; shifts the reading frame from alanine 31.
Molecular consequence: frameshift variant.
Genome position (GRCh38, 1-based): chr19:7,525,018, C duplicated; the last of 2 consecutive C bases (chr19:7,525,017-7,525,018); duplicating either gives the same sequence. VCF-style (leftmost placement, unchanged base first): chr19-7525016-A-AC. GRCh37 (hg19) VCF-style: chr19-7589902-A-AC.
Other names: short protein forms A31fs.
Identifiers: ClinVar variation 5011749 (VCV005011749.1).
Genomic context (GRCh38, chr19:7,525,016, plus strand): 5'-CACAGAGACCGAGCGGCTTCTGACCCCCAACCCCGGGTATGGGACCCAGGCGGGGCCTTC[A>AC]CCGGCCCCTCCGACACCCCCAGAAGAGGAAGACCTTCGCCGTCGTCTCAAATACTTTTTC-3'

ClinVar aggregate classification (germline): Pathogenic (1 of 4 stars; one submission).

Conditions:
Mucolipidosis type IV (ML4). Also called: ML IV. Identifiers: Orphanet 578, MedGen C0238286, MONDO:0009653, OMIM 252650.

Submission:

Myriad Genetics, Inc.
Classification: Pathogenic for Mucolipidosis type IV. Last evaluated: 2023-09-27. Review status: criteria provided, single submitter. Criteria: Myriad Autosomal Dominant, Autosomal Recessive and X-Linked Classification Criteria (2023). Collection method: clinical testing. Allele origin: unknown.
Comment: NM_020533.2(MCOLN1):c.89dupC(A31Gfs*57) is expected to be pathogenic in the context of mucolipidosis IV. This variant is predicted to lead to an abnormal or absent protein product due to the creation of a premature termination codon in MCOLN1, a gene where loss-of-function variants are known to be pathogenic. Please note: this variant was assessed in the context of healthy population screening.